The following is an entry in ClinVar:

NM_003482.4(KMT2D):c.5267G>A (p.Arg1756Gln)

Gene: KMT2D (lysine methyltransferase 2D; minus strand). Cytogenetic location: 12q13.12.
Variant type: single nucleotide variant.
Coding change: c.5267G>A on transcript NM_003482.4 (MANE Select); coding-DNA position 5267, G replaced by A.
Protein change: p.Arg1756Gln; replaces arginine 1756 with glutamine.
Molecular consequence: missense variant.
Genome position (GRCh38, 1-based): chr12:49,043,920, C>T on the plus strand (G>A on the coding strand, the complement: KMT2D is on the minus strand). VCF-style: chr12-49043920-C-T. GRCh37 (hg19) VCF-style: chr12-49437703-C-T.
Other names: short protein forms R1756Q.
Identifiers: ClinVar variation 625967 (VCV000625967.6), dbSNP rs908795312, ClinGen allele CA236612929.

ClinVar aggregate classification (germline): Uncertain significance. Review status: criteria provided, multiple submitters, no conflicts (2 of 4 stars). 3 submissions from 2 submitters: Uncertain significance (3). Last evaluated 2024-01-21.

Conditions:
Kabuki syndrome. Also called: NIIKAWA-KUROKI SYNDROME; Kabuki make-up syndrome. Identifiers: Orphanet 2322, MedGen C0796004, MONDO:0016512.
Kabuki syndrome 1 (KABUK1). Also called: KMT2D-Related Kabuki Syndrome. Identifiers: Orphanet 2322, MedGen CN030661, MONDO:0007843, OMIM 147920.
Choanal atresia-athelia-hypothyroidism-delayed puberty-short stature syndrome (BCAHH). Also called: BRANCHIAL ARCH ABNORMALITIES, CHOANAL ATRESIA, ATHELIA, HEARING LOSS, AND HYPOTHYROIDISM SYNDROME. Identifiers: Orphanet 589856, MedGen C5680310, MONDO:0035651, OMIM 620186.

Allele frequency attached by ClinVar (database versions not stated): TOPMed 0.00001.
gnomAD v4.1: 5 of 1,613,958 alleles (0.00031%); highest among the groups gnomAD compares: African/African-American, 0.0013%; no homozygotes.

Submissions (3):

Labcorp Genetics (formerly Invitae), Labcorp
Classification: Uncertain significance for Kabuki syndrome. Last evaluated: 2024-01-21. Review status: criteria provided, single submitter. Criteria: Invitae Variant Classification Sherloc (09022015). Collection method: clinical testing. Allele origin: germline.
Comment: This sequence change replaces arginine, which is basic and polar, with glutamine, which is neutral and polar, at codon 1756 of the KMT2D protein (p.Arg1756Gln). This variant is not present in population databases (gnomAD no frequency). This variant has not been reported in the literature in individuals affected with KMT2D-related conditions. ClinVar contains an entry for this variant (Variation ID: 625967). Advanced modeling of protein sequence and biophysical properties (such as structural, functional, and spatial information, amino acid conservation, physicochemical variation, residue mobility, and thermodynamic stability) has been performed at Invitae for this missense variant, however the output from this modeling did not meet the statistical confidence thresholds required to predict the impact of this variant on KMT2D protein function. In summary, the available evidence is currently insufficient to determine the role of this variant in disease. Therefore, it has been classified as a Variant of Uncertain Significance.

Center for Genomics, Ann and Robert H. Lurie Children's Hospital of Chicago
Classification: Uncertain significance for Kabuki syndrome 1. Last evaluated: 2018-10-29. Review status: criteria provided, single submitter. Criteria: ACMG Guidelines, 2015. Collection method: clinical testing. Allele origin: germline.
Comment: KMT2D NM_003482.3 exon 22 p.Arg1756Gln (c.5267G>A): This variant has not been reported in the literature and is not present in large control databases. Evolutionary conservation suggests that this variant may impact the protein; computational predictive tools for this variant are unclear. In summary, data on this variant is insufficient for disease classification. Therefore, the clinical significance of this variant is uncertain.

Center for Genomics, Ann and Robert H. Lurie Children's Hospital of Chicago
Classification: Uncertain significance for Choanal atresia-athelia-hypothyroidism-delayed puberty-short stature syndrome; Kabuki syndrome 1. Review status: criteria provided, single submitter. Criteria: ACMG Guidelines, 2015. Collection method: clinical testing. Allele origin: germline.
Comment: KMT2D NM_003482.3 exon 22 p.Arg1756Gln (c.5267G>A): This variant has not been reported in the literature and is not present in large control databases. Evolutionary conservation suggests that this variant may impact the protein; computational predictive tools for this variant are unclear. In summary, data on this variant is insufficient for disease classification. Therefore, the clinical significance of this variant is uncertain